The following is an entry in ClinVar:

ClinVar aggregate classification (germline): Uncertain significance (1 of 4 stars; one submission).

Conditions:
Early-infantile DEE. Also called: Early infantile epileptic encephalopathy with suppression bursts; Early infantile epileptic encephalopathy; Ohtahara syndrome. Identifiers: Orphanet 1934, MedGen C0393706, MONDO:0800491.

Submission:

Labcorp Genetics (formerly Invitae), Labcorp
Classification: Uncertain significance for Early-infantile DEE. Last evaluated: 2026-01-24. Review status: criteria provided, single submitter. Criteria: Invitae Variant Classification Sherloc (09022015). Collection method: clinical testing. Allele origin: germline.
Comment: This sequence change replaces asparagine, which is neutral and polar, with tyrosine, which is neutral and polar, at codon 851 of the SCN1A protein (p.Asn851Tyr). This variant is not present in population databases (gnomAD no frequency). This variant has not been reported in the literature in individuals affected with SCN1A-related conditions. Invitae Evidence Modeling of protein sequence and biophysical properties (such as structural, functional, and spatial information, amino acid conservation, physicochemical variation, residue mobility, and thermodynamic stability) indicates that this missense variant is not expected to disrupt SCN1A protein function with a negative predictive value of 95%. In summary, the available evidence is currently insufficient to determine the role of this variant in disease. Therefore, it has been classified as a Variant of Uncertain Significance.

NM_001165963.4(SCN1A):c.2551A>T (p.Asn851Tyr)

Gene: SCN1A (sodium voltage-gated channel alpha subunit 1; minus strand). Cytogenetic location: 2q24.3.
Variant type: single nucleotide variant.
Coding change: c.2551A>T on transcript NM_001165963.4 (MANE Select); coding-DNA position 2551, A replaced by T.
Protein change: p.Asn851Tyr; replaces asparagine 851 with tyrosine.
Molecular consequence: missense variant. On other transcripts: non-coding transcript variant (1).
Genome position (GRCh38, 1-based): chr2:166,039,461, T>A on the plus strand (A>T on the coding strand, the complement: SCN1A is on the minus strand). VCF-style: chr2-166039461-T-A. GRCh37 (hg19) VCF-style: chr2-166895971-T-A.
Other names: c.2467A>T, p.Asn823Tyr (NM_001165964.3, NM_001353957.2, NM_001353958.2); c.2551A>T, p.Asn851Tyr (NM_001202435.3, NM_001353948.2); c.2518A>T, p.Asn840Tyr (NM_001353949.2, NM_001353950.2, NM_001353951.2 and 2 more transcripts); c.2515A>T, p.Asn839Tyr (NM_001353954.2, NM_001353955.2); c.2464A>T, p.Asn822Tyr (NM_001353960.2); c.109A>T, p.Asn37Tyr (NM_001353961.2); short protein forms N37Y, N822Y, N823Y, N839Y, N840Y, N851Y.
Identifiers: ClinVar variation 4800277 (VCV004800277.1).